The following is an entry in ClinVar:

ClinVar aggregate classification (germline): Uncertain significance (1 of 4 stars; one submission).

Conditions:
Inborn genetic diseases. Identifiers: MedGen C0950123, MeSH D030342.

Submission:

Ambry Genetics
Classification: Uncertain significance for Inborn genetic diseases. Last evaluated: 2026-03-07. Review status: criteria provided, single submitter. Criteria: Ambry Variant Classification Scheme 2023. Collection method: clinical testing. Allele origin: germline.
Comment: The p.N369S variant (also known as c.1106A>G), located in coding exon 1 of the SAMD9L gene, results from an A to G substitution at nucleotide position 1106. The asparagine at codon 369 is replaced by serine, an amino acid with highly similar properties. This amino acid position is conserved. In addition, this alteration is predicted to be tolerated by in silico analysis. Based on the available evidence, the clinical significance of this variant remains unclear.

NM_152703.5(SAMD9L):c.1106A>G (p.Asn369Ser)

Gene: SAMD9L (sterile alpha motif domain containing 9 like; minus strand). Cytogenetic location: 7q21.2.
Variant type: single nucleotide variant.
Coding change: c.1106A>G on transcript NM_152703.5 (MANE Select); coding-DNA position 1106, A replaced by G.
Protein change: p.Asn369Ser; replaces asparagine 369 with serine.
Molecular consequence: missense variant.
Genome position (GRCh38, 1-based): chr7:93,134,866, T>C on the plus strand (A>G on the coding strand, the complement: SAMD9L is on the minus strand). VCF-style: chr7-93134866-T-C. GRCh37 (hg19) VCF-style: chr7-92764179-T-C.
Other names: c.1106A>G, p.Asn369Ser (NM_001303496.3, NM_001303497.3, NM_001303498.3 and 5 more transcripts); short protein forms N369S.
Identifiers: ClinVar variation 4826187 (VCV004826187.1).
Genomic context (GRCh38, chr7:93,134,866, plus strand): 5'-ATTGCCTTCATTCCATACTCTTCTTCAGCCTCTTTTCTAGATGCTACCAGTGACTTTAAA[T>C]TTTGTAAAAATGCCTTGAAATCTACATCCCGTTGCTTGGAATTGGCCAGGATATCCCTAG-3'
Protein context (NP_689916.2, residues 359-379): RDVDFKAFLQ[Asn369Ser]LKSLVASRKE